The following is an entry in ClinVar:

ClinVar aggregate classification (germline): Likely pathogenic (1 of 4 stars; one submission).

Conditions:
Spinocerebellar ataxia, autosomal recessive, with axonal neuropathy 2 (SCAN2). Also called: Ataxia-ocular apraxia-2; Ataxia with Oculomotor Apraxia; Ataxia with Oculomotor Apraxia Type 2; ATAXIA-OCULOMOTOR APRAXIA 2. Identifiers: Orphanet 64753, MedGen C1853761, MONDO:0018996, OMIM 606002.

Submission:

3billion
Classification: Likely pathogenic for Spinocerebellar ataxia, autosomal recessive, with axonal neuropathy 2. Last evaluated: 2025-12-18. Review status: criteria provided, single submitter. Criteria: ACMG Guidelines, 2015. Collection method: clinical testing. Allele origin: germline. Affected: yes.
Comment: The variant is not observed in the gnomAD v4.1.0 dataset. Predicted Consequence/Location: Stop-gained (nonsense): predicted to result in a loss or disruption of normal protein function through nonsense-mediated decay (NMD) or protein truncation. Multiple pathogenic variants are reported downstream of the variant. Therefore, this variant is classified as Likely pathogenic according to the recommendation of ACMG/AMP guideline.

NM_015046.7(SETX):c.2116_2119del (p.Ile705_Lys706insTer)

Gene: SETX (senataxin; minus strand). Cytogenetic location: 9q34.13.
Variant type: Deletion.
Coding change: c.2116_2119del on transcript NM_015046.7 (MANE Select); coding-DNA positions 2116 to 2119, 4 bases deleted (AAAA; older notation c.2116_2119delAAAA).
Protein change: p.Ile705_Lys706insTer.
Molecular consequence: nonsense.
Genome position (GRCh38, 1-based): chr9:132,329,479-132,329,482, TTTT deleted on the plus strand (AAAA on the coding strand, the reverse complement: SETX is on the minus strand). VCF-style (leftmost placement, unchanged base first): chr9-132329478-ATTTT-A. GRCh37 (hg19) VCF-style: chr9-135204865-ATTTT-A.
Other names: c.2116_2119del, p.Ile705_Lys706insTer (NM_001351527.2, NM_001351528.2).
Identifiers: ClinVar variation 4854921 (VCV004854921.1).
Genomic context (GRCh38, chr9:132,329,478, plus strand): 5'-GTACAGTCCTTTGGTGTATATGAAGAGATCTCTTTTACAGACTTCTGCTTCCTTGTACTT[ATTTT>A]AATTTGATCTTCAGCTCTTTCAGTAAAAATGTTTTTACTACTCTGCTTTAAGCATGACCC-3'